The following is an entry in ClinVar:

ClinVar aggregate classification (germline): Uncertain significance. Review status: criteria provided, multiple submitters, no conflicts (2 of 4 stars). 2 submissions from 2 submitters: Uncertain significance (2). Last evaluated 2024-06-03.

Allele frequency attached by ClinVar (database versions not stated): gnomAD exomes 0.00002 and 0.00004; ExAC 0.00003; TOPMed 0.00003; gnomAD 0.00004 and 0.00005; 1000 Genomes Project 0.00020; 1000 Genomes Project 30x 0.00031.
gnomAD v4.1: 29 of 1,610,052 alleles (0.0018%); highest among the groups gnomAD compares: African/African-American, 0.02%; no homozygotes.

Submissions (2):

Ambry Genetics
Classification: Uncertain significance. Last evaluated: 2024-06-03. Review status: criteria provided, single submitter. Criteria: Ambry Variant Classification Scheme 2023. Collection method: clinical testing. Allele origin: germline.

Labcorp Genetics (formerly Invitae), Labcorp
Classification: Uncertain significance. Last evaluated: 2024-04-22. Review status: criteria provided, single submitter. Criteria: Invitae Variant Classification Sherloc (09022015). Collection method: clinical testing. Allele origin: germline.
Comment: This sequence change replaces proline, which is neutral and non-polar, with leucine, which is neutral and non-polar, at codon 237 of the ADGRA3 protein (p.Pro237Leu). This variant is present in population databases (rs560712931, gnomAD 0.02%). This variant has not been reported in the literature in individuals affected with ADGRA3-related conditions. ClinVar contains an entry for this variant (Variation ID: 1036500). An algorithm developed to predict the effect of missense changes on protein structure and function (PolyPhen-2) suggests that this variant is likely to be tolerated. In summary, the available evidence is currently insufficient to determine the role of this variant in disease. Therefore, it has been classified as a Variant of Uncertain Significance.

NM_145290.4(ADGRA3):c.710C>T (p.Pro237Leu)

Gene: ADGRA3 (adhesion G protein-coupled receptor A3; minus strand). Cytogenetic location: 4p15.2.
Variant type: single nucleotide variant.
Coding change: c.710C>T on transcript NM_145290.4 (MANE Select); coding-DNA position 710, C replaced by T.
Protein change: p.Pro237Leu; replaces proline 237 with leucine.
Molecular consequence: missense variant.
Genome position (GRCh38, 1-based): chr4:22,442,860, G>A on the plus strand (C>T on the coding strand, the complement: ADGRA3 is on the minus strand). VCF-style: chr4-22442860-G-A. GRCh37 (hg19) VCF-style: chr4-22444483-G-A.
Other names: c.710C>T (NM_145290.2); short protein forms P237L.
Identifiers: ClinVar variation 1036500 (VCV001036500.8), dbSNP rs560712931, ClinGen allele CA2874147.